The following is an entry in ClinVar:

ClinVar aggregate classification (germline): Uncertain significance (1 of 4 stars; one submission).

Submission:

Labcorp Genetics (formerly Invitae), Labcorp
Classification: Uncertain significance. Last evaluated: 2023-09-27. Review status: criteria provided, single submitter. Criteria: Invitae Variant Classification Sherloc (09022015). Collection method: clinical testing. Allele origin: germline.
Comment: In summary, the available evidence is currently insufficient to determine the role of this variant in disease. Therefore, it has been classified as a Variant of Uncertain Significance. An algorithm developed to predict the effect of missense changes on protein structure and function (PolyPhen-2) suggests that this variant is likely to be tolerated. This variant has not been reported in the literature in individuals affected with TOPORS-related conditions. Information on the frequency of this variant in the gnomAD database is not available, as this variant may be reported differently in the database. This sequence change replaces alanine, which is neutral and non-polar, with leucine, which is neutral and non-polar, at codon 18 of the TOPORS protein (p.Ala18Leu).

NM_005802.5(TOPORS):c.52_53delinsTT (p.Ala18Leu)

Gene: TOPORS (TOP1 binding arginine/serine rich protein, E3 ubiquitin ligase; minus strand). Cytogenetic location: 9p21.1.
Variant type: Indel.
Coding change: c.52_53delinsTT on transcript NM_005802.5 (MANE Select); coding-DNA positions 52 to 53, GC replaced by TT.
Protein change: p.Ala18Leu; replaces alanine 18 with leucine.
Molecular consequence: missense variant. On other transcripts: intron variant (1).
Genome position (GRCh38, 1-based): chr9:32,550,919-32,550,920, GC replaced by AA on the plus strand (GC replaced by TT on the coding strand, the reverse complement: TOPORS is on the minus strand). VCF-style: chr9-32550919-GC-AA. GRCh37 (hg19) VCF-style: chr9-32550917-GC-AA.
Other names: c.3+1514_3+1515delinsTT (NM_001195622.2); short protein forms A18L.
Identifiers: ClinVar variation 2763613 (VCV002763613.3), dbSNP rs2489474248, ClinGen allele CA2697557687.
Genomic context (GRCh38, chr9:32,550,919, plus strand): 5'-CCGCGAAGGCGTACCCGGCGACTTCTCCGCCTACCCTCCGAAGCGGGAGCAGGCGGGGGC[GC>AA]TTCACCCTCCTCGCGAGACAGCGGAGACCCCAGCGGCGGCTGCGACCCCTGTGACGCAAA-3'
Protein context (NP_005793.2, residues 8-28): GSPLSREEGE[Ala18Leu]PPPAPASEGR